The following is an entry in ClinVar:

ClinVar aggregate classification (germline): Conflicting classifications of pathogenicity. Review status: criteria provided, conflicting classifications (1 of 4 stars). 12 submissions from 12 submitters: Pathogenic (5); Likely pathogenic (4); Uncertain significance (2). 1 of the submissions does not count toward it. Last evaluated 2026-02-16.

Conditions:
PKD1-related disorder. Also called: PKD1-related condition.
Autosomal dominant polycystic kidney disease. Identifiers: Orphanet 730, MedGen C0085413, MONDO:0004691.
Polycystic kidney disease, adult type (PKD1). Also called: POLYCYSTIC KIDNEY DISEASE, ADULT, TYPE I; Polycystic Kidney, Autosomal Dominant; POLYCYSTIC KIDNEY DISEASE 1 WITH OR WITHOUT POLYCYSTIC LIVER DISEASE; Polycystic Kidney Disease 1, Autosomal Dominant; Polycystic kidney disease 1; Polycystic kidney disease 1, severe. Identifiers: MedGen C3149841, MONDO:0008263, OMIM 173900.
Polycystic kidney disease. Also called: Polycystic kidney dysplasia; Kidney, Polycystic. Identifiers: MedGen C0022680, MeSH D007690, MONDO:0020642, HP:0000113.

Allele frequency attached by ClinVar (database versions not stated): gnomAD exomes below 0.00001.
gnomAD v4.1: 1 of 1,610,398 alleles (0.000062%); no homozygotes.

Submissions (12):

Victorian Clinical Genetics Services, Murdoch Childrens Research Institute
Classification: Pathogenic for Polycystic kidney disease, adult type. Last evaluated: 2026-02-16. Review status: criteria provided, single submitter. Criteria: ACMG Guidelines, 2015. Collection method: clinical testing. Allele origin: germline. Affected: yes.
Comment: This variant is classified as Pathogenic. Evidence in support of pathogenic classification: Variant is present in gnomAD <0.001 for a dominant condition (v4: 1 heterozygote(s), 0 homozygote(s)); This variant has strong previous evidence of pathogenicity in unrelated individuals. This variant has been classified twice as a VUS, but moreso as likely pathogenic and pathogenic by clinical laboratories in ClinVar. It has also been reported in at least five families with autosomal dominant polycystic kidney disease (ADPKD). A deletion-insertion with the same protein outcome (c.11249_11250delinsAA), has also been reported as likely pathogenic and observed in at least three families with ADPKD); Missense variant predicted to be damaging by in silico tool(s) or highly conserved with a major amino acid change. Additional information: Variant is predicted to result in a missense amino acid change from Arg to Gln; This variant is heterozygous; This gene is associated with autosomal dominant disease. Polycystic kidney disease 1 (MIM#173900) is predominantly caused by monoallelic variants, with rare reports of biallelic variants causing disease (OMIM); Alternative amino acid change(s) at the same position are present in gnomAD (highest allele count: v4: 4 heterozygote(s), 0 homozygote(s)); Variant is located in the annotated polycystin domain (DECIPHER); Loss of function is a known mechanism of disease in this gene and is associated with polycystic kidney disease 1 (MIM#173900); Inheritance information for this variant is not currently available in this individual.

GeneDx
Classification: Likely pathogenic. Last evaluated: 2025-09-26. Review status: criteria provided, single submitter. Criteria: GeneDx Variant Classification Process June 2021. Collection method: clinical testing. Allele origin: germline. Affected: yes.
Comment: Not observed at significant frequency in large population cohorts (gnomAD); In silico analysis supports that this missense variant has a deleterious effect on protein structure/function; This variant is associated with the following publications: (PMID: 27499327, 21115670, 22008521, 23431072, 31740684, 22508176, 33437033, 33454723, 37231942, 35778421, 36706243, 36938073, 37372410, 37984685, 38481516)

PreventionGenetics, part of Exact Sciences
Classification: Pathogenic for PKD1-related condition. Last evaluated: 2025-05-22. Review status: criteria provided, single submitter. Criteria: ACMG Guidelines, 2015. Collection method: clinical testing. Allele origin: germline.
Comment: The PKD1 c.11249G>A variant is predicted to result in the amino acid substitution p.Arg3750Gln. This variant was reported in individuals with autosomal dominant polycystic kidney disease (ADPKD) (reported as c.11246G>A, p.Arg3749Gln in Hoefele et al. 2011. PubMed ID: 21115670; Bataille et al. 2011. PubMed ID: 22008521; Table S1, Cornec-Le Gall. 2013. PubMed ID: 23431072; reported as c.11246G>A, p.Arg3749Gln in Table S6C, Kim et al. 2019. PubMed ID: 31740684; Table S3, Benson et al. 2021. PubMed ID: 33454723). Of note, we have found this variant in other individuals tested for PKD at PreventionGenetics. The same amino acid substitution (p.Arg3750Gln) resulting from a different nucleotide change designated c.11249_11250delinsAA has also been reported to be causative for ADPKD (Table S5, Audrézet et al. 2012. PubMed ID: 22508176). This variant is reported in 0.010% of alleles in individuals of Ashkenazi Jewish descent in gnomAD. This variant is interpreted as pathogenic.

Department of Human Genetics, Hannover Medical School
Classification: Likely pathogenic for Polycystic kidney disease, adult type. Last evaluated: 2024-10-25. Review status: criteria provided, single submitter. Criteria: ACMG Guidelines, 2015. Collection method: clinical testing. Allele origin: germline. Inheritance: Autosomal dominant inheritance. Affected: yes.
Comment: ACMG/Clingen: PM1_Supporting, PM2_Supporting, PP3_Moderate, PP4_Strong

Genomic Medicine Center of Excellence, King Faisal Specialist Hospital and Research Centre
Classification: Uncertain significance for Polycystic kidney disease, adult type. Last evaluated: 2024-03-29. Review status: criteria provided, single submitter. Criteria: ACMG Guidelines, 2015. Collection method: clinical testing. Allele origin: germline.

Fulgent Genetics
Classification: Likely pathogenic for Polycystic kidney disease, adult type. Last evaluated: 2024-01-25. Review status: criteria provided, single submitter. Criteria: ACMG Guidelines, 2015. Collection method: clinical testing. Allele origin: germline.

Women's Health and Genetics/Laboratory Corporation of America, LabCorp
Classification: Pathogenic for Polycystic kidney disease, adult type. Last evaluated: 2023-05-26. Review status: criteria provided, single submitter. Criteria: LabCorp Variant Classification Summary - May 2015. Collection method: clinical testing. Allele origin: germline.
Comment: Variant summary: PKD1 c.11249G>A (p.Arg3750Gln) results in a conservative amino acid change located in the Polycystin domain (IPR046791) of the encoded protein sequence. Three of five in-silico tools predict a damaging effect of the variant on protein function. The variant allele was found at a frequency of 4e-06 in 247254 control chromosomes (i.e., 1 heterozygous carrier; gnomAD v2.1, exomes cohort). c.11249G>A has been reported in the literature in multiple individuals affected with Polycystic Kidney Disease 1 (e.g., Hoefele_2011, Yu_2022, Kurashige_2015). These data indicate that the variant is very likely to be associated with disease. The following publications have been ascertained in the context of this evaluation (PMID: 21115670, 24611717, 35778421). Six ClinVar submitters (evaluation after 2014) have reported the variant with conflicting assessments: 4 submitters classified the variant as pathogenic (n = 2) or likely pathogenic (n = 2), and two submitters classified the variant as uncertain significance. Based on the evidence outlined above, the variant was classified as pathogenic.

Cavalleri Lab, Royal College of Surgeons in Ireland
Classification: Uncertain significance for Polycystic kidney disease, adult type. Last evaluated: 2020-02-05. Review status: criteria provided, single submitter. Criteria: ACMG Guidelines, 2015. Collection method: research. Allele origin: unknown. Inheritance: Autosomal dominant inheritance. Affected: yes.
Comment: PM5, PP3, PP4, PP5

CeGaT Center for Human Genetics Tuebingen
Classification: Pathogenic. Last evaluated: 2019-12-01. Review status: criteria provided, single submitter. Criteria: CeGaT Center For Human Genetics Tuebingen Variant Classification Criteria Version 2. Collection method: clinical testing. Allele origin: germline. Affected: yes. Observed: 1 variant allele.

Blueprint Genetics
Classification: Pathogenic for PKD1-related disorders. Last evaluated: 2019-09-23. Review status: criteria provided, single submitter. Criteria: ACMG Guidelines, 2015. Collection method: clinical testing. Allele origin: germline. Affected: yes. Observed: 3 variant alleles.

Molecular Genetics of Inherited Kidney Disorders Laboratory, Garvan Institute of Medical Research
Classification: Likely pathogenic for Autosomal dominant polycystic kidney disease. Last evaluated: 2019-01-01. Review status: criteria provided, single submitter. Criteria: ACMG Guidelines, 2015. Collection method: research. Allele origin: germline. Affected: yes.

Department of Pathology and Laboratory Medicine, Sinai Health System
Classification: Uncertain significance for Polycystic Kidney disease. Review status: no assertion criteria provided. Collection method: clinical testing. Allele origin: unknown. Affected: yes. Study: The Canadian Open Genetics Repository (COGR). Not counted in ClinVar's aggregate classification.
Comment: The PKD1 p.Arg3750Gln variant was identified in 5 of 1474 proband chromosomes (frequency: 0.003) from French individuals or families with ADPKD (Audrezet 2012, Bataille 2011). Three of the affected individuals carried the c.11249_11250delinsAA, while one affected individual carried the c.11249G>A variant, both with the p.Arg3750Gln consequence (Audrezet 2012, Bataille 2011). The variant was also identified in ADPKD Mutation Database (classified highly likely pathogenic), and was not identified in dbSNP, ClinVar, LOVD 3.0, and PKD1-LOVD. The variant was identified in control databases in 1 of 243168 chromosomes at a frequency of 0.000004 (Genome Aggregation Database Feb 27, 2017), observed in the following population: Ashkenazi Jewish in 1 of 9768 chromosomes (freq: 0.0001); it was not observed in the African, Other, Latino, European Non-Finnish, East Asian, Finnish, and South Asian populations. The p.Arg3750 residue is conserved across mammals and other organisms, and four out of five computational analyses (PolyPhen-2, SIFT, AlignGVGD, BLOSUM, MutationTaster) suggest that the variant may impact the protein; however, this information is not predictive enough to assume pathogenicity. The variant occurs outside of the splicing consensus sequence and 2 of 4 in silico or computational prediction software programs (SpliceSiteFinder, MaxEntScan, NNSPLICE, GeneSplicer) predict a greater than 10% difference in splicing; this is not very predictive of pathogenicity. In summary, based on the above information the clinical significance of this variant cannot be determined with certainty at this time. This variant is classified as a variant of uncertain significance.

Literature cited by the submitters: PubMed 35778421 (cited by Women's Health and Genetics/Laboratory Corporation of America, LabCorp); PubMed 21115670 (cited by Women's Health and Genetics/Laboratory Corporation of America, LabCorp); PubMed 24611717 (cited by Women's Health and Genetics/Laboratory Corporation of America, LabCorp).

NM_001009944.3(PKD1):c.11249G>A (p.Arg3750Gln)

Genes: MIR1225 (microRNA 1225; minus strand), PKD1 (polycystin 1, transient receptor potential channel interacting; minus strand), PKD1-AS1 (PKD1 antisense RNA 1; plus strand), TSC2 (TSC complex subunit 2; plus strand). Cytogenetic location: 16p13.3.
Variant type: single nucleotide variant.
Coding change: c.11249G>A on transcript NM_001009944.3 (MANE Select); coding-DNA position 11249, G replaced by A.
Protein change: p.Arg3750Gln; replaces arginine 3750 with glutamine.
Molecular consequence: missense variant.
Genome position (GRCh38, 1-based): chr16:2,092,500, C>T on the plus strand (G>A on the coding strand, the complement: PKD1 is on the minus strand). VCF-style: chr16-2092500-C-T. GRCh37 (hg19) VCF-style: chr16-2142501-C-T.
Other names: c.11246G>A, p.Arg3749Gln (NM_000296.4); short protein forms R3750Q, R3749Q.
Identifiers: ClinVar variation 636966 (VCV000636966.57), dbSNP rs1327414405, ClinGen allele CA394336166.
Genomic context (GRCh38, chr16:2,092,500, plus strand): 5'-AGGAACGATTTAAGTCTTGGGGCACGCCCTGCCAGCTCACCTTCCTGCAGCCGCACCTGC[C>T]GCAGCCGTGGGGGCCCCAGCTCTGGGCTGGACTGGTTCCCGTGGACGTAGGGCAGCAGCA-3'
Protein context (NP_001009944.3, residues 3740-3760): SSPELGPPRL[Arg3750Gln]QVRLQEALYP